The following is an entry in ClinVar:

NM_001159773.2(CANT1):c.100delinsTT (p.Ala34fs)

Gene: CANT1 (calcium activated nucleotidase 1; minus strand). Cytogenetic location: 17q25.3.
Variant type: Indel.
Coding change: c.100delinsTT on transcript NM_001159773.2 (MANE Select); coding-DNA position 100, G replaced by TT.
Protein change: p.Ala34fs; shifts the reading frame from alanine 34.
Molecular consequence: frameshift variant.
Genome position (GRCh38, 1-based): chr17:78,997,523, C replaced by AA on the plus strand (G replaced by TT on the coding strand, the reverse complement: CANT1 is on the minus strand). VCF-style: chr17-78997523-C-AA. GRCh37 (hg19) VCF-style: chr17-76993605-C-AA.
Other names: c.100delinsTT, p.Ala34fs (NM_001159772.2, NM_138793.4); short protein forms A34fs.
Identifiers: ClinVar variation 2779417 (VCV002779417.3), dbSNP rs2509813194, ClinGen allele CA2695227050.

ClinVar aggregate classification (germline): Pathogenic (1 of 4 stars; one submission).

Submission:

Labcorp Genetics (formerly Invitae), Labcorp
Classification: Pathogenic. Last evaluated: 2023-12-09. Review status: criteria provided, single submitter. Criteria: Invitae Variant Classification Sherloc (09022015). Collection method: clinical testing. Allele origin: germline.
Comment: This sequence change creates a premature translational stop signal (p.Ala34Phefs*56) in the CANT1 gene. It is expected to result in an absent or disrupted protein product. Loss-of-function variants in CANT1 are known to be pathogenic (PMID: 19853239, 21037275, 22539336). Information on the frequency of this variant in the gnomAD database is not available, as this variant may be reported differently in the database. This premature translational stop signal has been observed in individual(s) with Desbuquois dysplasia (PMID: 22539336). Algorithms developed to predict the effect of sequence changes on RNA splicing suggest that this variant may create or strengthen a splice site. For these reasons, this variant has been classified as Pathogenic.

Literature cited by the submitters: PubMed 19853239; PubMed 21037275; PubMed 22539336.